The following is an entry in ClinVar:

NC_000004.11:g.(?_2357152)_(15176083_?)del

Genes: HS3ST1 (heparan sulfate-glucosamine 3-sulfotransferase 1; minus strand), HTRA3 (HtrA serine peptidase 3; plus strand), HTT (huntingtin; plus strand), JAKMIP1 (janus kinase and microtubule interacting protein 1; minus strand), KIAA0232 (KIAA0232; plus strand) and 80 more. Cytogenetic location: 4p16.3-15.33.
Variant type: Deletion.
Identifiers: ClinVar variation 3246741 (VCV003246741.1).

ClinVar aggregate classification (germline): Pathogenic (1 of 4 stars; one submission).

Submission:

Labcorp Genetics (formerly Invitae), Labcorp
Classification: Pathogenic. Last evaluated: 2022-12-08. Review status: criteria provided, single submitter. Criteria: Invitae Variant Classification Sherloc (09022015). Collection method: clinical testing. Allele origin: unknown.
Comment: This variant has not been reported in the literature in individuals affected with WFS1-related conditions. For these reasons, this variant has been classified as Pathogenic. A gross deletion of the genomic region encompassing the full coding sequence of the WFS1 gene has been identified. Loss-of-function variants in WFS1 are known to be pathogenic (PMID: 12955714). The boundaries of this event are unknown as they extend beyond the assayed region for this gene and therefore may encompass additional genes.

Literature cited by the submitters: PubMed 12955714.